The following is an entry in ClinVar:

NM_000124.4(ERCC6):c.3541C>T (p.His1181Tyr)

Gene: ERCC6 (ERCC excision repair 6, chromatin remodeling factor; minus strand). Cytogenetic location: 10q11.23.
Variant type: single nucleotide variant.
Coding change: c.3541C>T on transcript NM_000124.4 (MANE Select); coding-DNA position 3541, C replaced by T.
Protein change: p.His1181Tyr; replaces histidine 1181 with tyrosine.
Molecular consequence: missense variant.
Genome position (GRCh38, 1-based): chr10:49,470,419, G>A on the plus strand (C>T on the coding strand, the complement: ERCC6 is on the minus strand). VCF-style: chr10-49470419-G-A. GRCh37 (hg19) VCF-style: chr10-50678465-G-A.
Other names: c.3541C>T, p.His1181Tyr (NM_001346440.2); short protein forms H1181Y.
Identifiers: ClinVar variation 2191820 (VCV002191820.2), dbSNP rs770380323, ClinGen allele CA5495329.

ClinVar aggregate classification (germline): Uncertain significance (1 of 4 stars; one submission).

Allele frequency attached by ClinVar (database versions not stated): TOPMed below 0.00001; gnomAD exomes 0.00001; ExAC 0.00002.
gnomAD v4.1: 12 of 1,614,022 alleles (0.00074%); highest among the groups gnomAD compares: South Asian, 0.0022%; no homozygotes.

Submission:

Labcorp Genetics (formerly Invitae), Labcorp
Classification: Uncertain significance. Last evaluated: 2025-08-29. Review status: criteria provided, single submitter. Criteria: Invitae Variant Classification Sherloc (09022015). Collection method: clinical testing. Allele origin: germline.
Comment: This sequence change replaces histidine, which is basic and polar, with tyrosine, which is neutral and polar, at codon 1181 of the ERCC6 protein (p.His1181Tyr). This variant is present in population databases (rs770380323, gnomAD 0.006%). This variant has not been reported in the literature in individuals affected with ERCC6-related conditions. ClinVar contains an entry for this variant (Variation ID: 2191820). Invitae Evidence Modeling of protein sequence and biophysical properties (such as structural, functional, and spatial information, amino acid conservation, physicochemical variation, residue mobility, and thermodynamic stability) indicates that this missense variant is not expected to disrupt ERCC6 protein function with a negative predictive value of 95%. In summary, the available evidence is currently insufficient to determine the role of this variant in disease. Therefore, it has been classified as a Variant of Uncertain Significance.